The following is an entry in ClinVar:

NM_013296.5(GPSM2):c.1440+5G>A

Gene: GPSM2 (G protein signaling modulator 2; plus strand). Cytogenetic location: 1p13.3.
Variant type: single nucleotide variant.
Coding change: c.1440+5G>A on transcript NM_013296.5 (MANE Select); 5 bases into the intron after coding-DNA position 1440, G replaced by A.
Molecular consequence: intron variant.
Genome position (GRCh38, 1-based): chr1:108,918,794, G>A. VCF-style: chr1-108918794-G-A. GRCh37 (hg19) VCF-style: chr1-109461416-G-A.
Other names: c.1440+5G>A (NM_001321038.2, NM_001321039.3).
Identifiers: ClinVar variation 4984885 (VCV004984885.1).

ClinVar aggregate classification (germline): Uncertain significance (1 of 4 stars; one submission).

Conditions:
GPSM2-related disorder. Also called: GPSM2-related condition; GPSM2-related disorders.

gnomAD v4.1: 26 of 1,603,522 alleles (0.0016%); highest among the groups gnomAD compares: East Asian, 0.0022%; no homozygotes.

Submission:

PreventionGenetics, part of Exact Sciences
Classification: Uncertain significance for GPSM2-related condition. Last evaluated: 2026-09-01. Review status: criteria provided, single submitter. Criteria: ACMG Guidelines, 2015. Collection method: clinical testing. Allele origin: germline.
Comment: The GPSM2 c.1440+5G>A variant is predicted to interfere with splicing. To our knowledge, this variant has not been reported in the literature. This variant is predicted to alter splicing based on available splicing prediction programs (SpliceAI, Jaganathan et al. 2019. PubMed ID: 30661751). However, the use of computer prediction programs is not equivalent to functional evidence. This variant is reported in 0.0050% of alleles in individuals of East Asian descent in gnomAD. At this time, the clinical significance of this variant is uncertain due to the absence of conclusive functional and genetic evidence.